The following is an entry in ClinVar:

NM_020693.4(DSCAML1):c.2530A>G (p.Asn844Asp)

Gene: DSCAML1 (DS cell adhesion molecule like 1; minus strand). Cytogenetic location: 11q23.3.
Variant type: single nucleotide variant.
Coding change: c.2530A>G on transcript NM_020693.4 (MANE Select); coding-DNA position 2530, A replaced by G.
Protein change: p.Asn844Asp; replaces asparagine 844 with aspartic acid.
Molecular consequence: missense variant.
Genome position (GRCh38, 1-based): chr11:117,481,992, T>C on the plus strand (A>G on the coding strand, the complement: DSCAML1 is on the minus strand). VCF-style: chr11-117481992-T-C. GRCh37 (hg19) VCF-style: chr11-117352707-T-C.
Other names: c.2530A>G, p.Asn844Asp (NM_001367904.1); short protein forms N844D.
Identifiers: ClinVar variation 1931466 (VCV001931466.5), dbSNP rs1040034711, ClinGen allele CA229387189.

ClinVar aggregate classification (germline): Uncertain significance (1 of 4 stars; one submission).

Allele frequency attached by ClinVar (database versions not stated): gnomAD exomes below 0.00001; gnomAD 0.00001.
gnomAD v4.1: 5 of 1,614,006 alleles (0.00031%); highest among the groups gnomAD compares: Admixed American, 0.005%; no homozygotes.

Submission:

Labcorp Genetics (formerly Invitae), Labcorp
Classification: Uncertain significance. Last evaluated: 2022-09-09. Review status: criteria provided, single submitter. Criteria: Invitae Variant Classification Sherloc (09022015). Collection method: clinical testing. Allele origin: germline.
Comment: This sequence change replaces asparagine, which is neutral and polar, with aspartic acid, which is acidic and polar, at codon 904 of the DSCAML1 protein (p.Asn904Asp). This variant is present in population databases (no rsID available, gnomAD 0.006%). This variant has not been reported in the literature in individuals affected with DSCAML1-related conditions. Algorithms developed to predict the effect of missense changes on protein structure and function (SIFT, PolyPhen-2, Align-GVGD) all suggest that this variant is likely to be tolerated. In summary, the available evidence is currently insufficient to determine the role of this variant in disease. Therefore, it has been classified as a Variant of Uncertain Significance.